The following is an entry in ClinVar:

ClinVar aggregate classification (germline): Uncertain significance (1 of 4 stars; one submission).

Conditions:
Mucolipidosis type IV (ML4). Also called: ML IV. Identifiers: Orphanet 578, MedGen C0238286, MONDO:0009653, OMIM 252650.

Submission:

Labcorp Genetics (formerly Invitae), Labcorp
Classification: Uncertain significance for Mucolipidosis type IV. Last evaluated: 2026-01-02. Review status: criteria provided, single submitter. Criteria: Invitae Variant Classification Sherloc (09022015). Collection method: clinical testing. Allele origin: germline.
Comment: This sequence change falls in intron 3 of the MCOLN1 gene. It does not directly change the encoded amino acid sequence of the MCOLN1 protein. This variant is present in population databases (rs749367509, gnomAD 0.007%). This variant has not been reported in the literature in individuals affected with MCOLN1-related conditions. Algorithms developed to predict the effect of sequence changes on RNA splicing suggest that this variant may create or strengthen a splice site. In summary, the available evidence is currently insufficient to determine the role of this variant in disease. Therefore, it has been classified as a Variant of Uncertain Significance.

NM_020533.3(MCOLN1):c.405+12C>T

Gene: MCOLN1 (mucolipin TRP cation channel 1; plus strand). Cytogenetic location: 19p13.2.
Variant type: single nucleotide variant.
Coding change: c.405+12C>T on transcript NM_020533.3 (MANE Select); 12 bases into the intron after coding-DNA position 405, C replaced by T.
Molecular consequence: intron variant.
Genome position (GRCh38, 1-based): chr19:7,526,618, C>T. VCF-style: chr19-7526618-C-T. GRCh37 (hg19) VCF-style: chr19-7591504-C-T.
Identifiers: ClinVar variation 4807367 (VCV004807367.1).
Genomic context (GRCh38, chr19:7,526,618, plus strand): 5'-CTACACGCGGGAGCAGCTGTACCAGGCCATCTTCCATGCTGTGGACCAGGTGCTGGTGGG[C>T]GGGCAGGTGCTGGTGGGCAGGCAGGTGCAGGTGGGCGGGCAGGTGCAGTTGGGCGGGCAG-3'